The following is an entry in ClinVar:

NC_000005.10:g.112707478G>A

Genes: APC (APC regulator of Wnt signaling pathway; plus strand), LOC129994371 (ATAC-STARR-seq lymphoblastoid active region 22910; plus strand). Cytogenetic location: 5q22.2.
Variant type: single nucleotide variant.
Genome position: GRCh38 VCF-style: chr5-112707478-G-A. GRCh37 (hg19) VCF-style: chr5-112043175-G-A.
Identifiers: ClinVar variation 1000044 (VCV001000044.8), dbSNP rs59923692, ClinGen allele CA1573442344.

ClinVar aggregate classification (germline): Uncertain significance (1 of 4 stars; one submission).

Conditions:
Familial adenomatous polyposis 1 (FAP1). Also called: FAMILIAL ADENOMATOUS POLYPOSIS 1, ATTENUATED; POLYPOSIS, ADENOMATOUS INTESTINAL. Identifiers: MedGen C2713442, MONDO:0021056, OMIM 175100. Disease mechanism: loss of function.

Submission:

Labcorp Genetics (formerly Invitae), Labcorp
Classification: Uncertain significance for Familial adenomatous polyposis 1. Last evaluated: 2025-08-22. Review status: criteria provided, single submitter. Criteria: Invitae Variant Classification Sherloc (09022015). Collection method: clinical testing. Allele origin: germline.
Comment: This variant occurs in a non-coding region of the APC gene. It does not change the encoded amino acid sequence of the APC protein. This variant is not present in population databases (gnomAD no frequency). This variant has not been reported in the literature in individuals affected with APC-related conditions. Experimental studies and prediction algorithms are not available or were not evaluated, and the functional significance of this variant is currently unknown. In summary, the available evidence is currently insufficient to determine the role of this variant in disease. Therefore, it has been classified as a Variant of Uncertain Significance.